The following is an entry in ClinVar:

ClinVar aggregate classification (germline): Uncertain significance. Review status: criteria provided, multiple submitters, no conflicts (2 of 4 stars). 2 submissions from 2 submitters: Uncertain significance (2). Last evaluated 2025-08-03.

gnomAD v4.1: 1 of 1,607,554 alleles (0.000062%); highest among the groups gnomAD compares: Non-Finnish European, 0.000085%; no homozygotes.

Submissions (2):

Ambry Genetics
Classification: Uncertain significance. Last evaluated: 2025-08-03. Review status: criteria provided, single submitter. Criteria: Ambry Variant Classification Scheme 2023. Collection method: clinical testing. Allele origin: germline.

GeneDx
Classification: Uncertain significance. Last evaluated: 2025-03-13. Review status: criteria provided, single submitter. Criteria: GeneDx Variant Classification Process June 2021. Collection method: clinical testing. Allele origin: germline. Affected: yes.
Comment: Not observed at significant frequency in large population cohorts (gnomAD); In silico analysis supports that this missense variant has a deleterious effect on protein structure/function; Has not been previously published as pathogenic or benign to our knowledge

NM_015512.5(DNAH1):c.4697C>T (p.Thr1566Ile)

Gene: DNAH1 (dynein axonemal heavy chain 1; plus strand). Cytogenetic location: 3p21.1.
Variant type: single nucleotide variant.
Coding change: c.4697C>T on transcript NM_015512.5 (MANE Select); coding-DNA position 4697, C replaced by T.
Protein change: p.Thr1566Ile; replaces threonine 1566 with isoleucine.
Molecular consequence: missense variant.
Genome position (GRCh38, 1-based): chr3:52,361,175, C>T. VCF-style: chr3-52361175-C-T. GRCh37 (hg19) VCF-style: chr3-52395191-C-T.
Other names: short protein forms T1566I.
Identifiers: ClinVar variation 4082812 (VCV004082812.2).